The following is an entry in ClinVar:

NM_000540.3(RYR1):c.1472A>C (p.Asp491Ala)

Genes: RYR1 (ryanodine receptor 1; plus strand), LOC129391106 (MPRA-validated peak3472 silencer; plus strand). Cytogenetic location: 19q13.2.
Variant type: single nucleotide variant.
Coding change: c.1472A>C on transcript NM_000540.3 (MANE Select); coding-DNA position 1472, A replaced by C.
Protein change: p.Asp491Ala; replaces aspartic acid 491 with alanine.
Molecular consequence: missense variant.
Genome position (GRCh38, 1-based): chr19:38,455,266, A>C. VCF-style: chr19-38455266-A-C. GRCh37 (hg19) VCF-style: chr19-38945906-A-C.
Other names: c.1472A>C, p.Asp491Ala (NM_001042723.2); short protein forms D491A.
Identifiers: ClinVar variation 1005138 (VCV001005138.8), dbSNP rs749781919, ClinGen allele CA061565.

ClinVar aggregate classification (germline): Uncertain significance. Review status: criteria provided, multiple submitters, no conflicts (2 of 4 stars). 3 submissions from 3 submitters: Uncertain significance (3). Last evaluated 2024-07-23.

Conditions:
RYR1-related disorder. Also called: RYR1-related disorders; RYR1-related condition. Identifiers: MedGen CN239331.
Malignant hyperthermia, susceptibility to, 1 (MHS1). Also called: RYR1-Related Malignant Hyperthermia Susceptibility; Anesthesia related hyperthermia; Malignant hyperpyrexia; Fulminating hyperpyrexia; Pharmacogenic myopathy; Malignant hyperthermia suceptibility 1. Identifiers: Orphanet 423, MedGen C2930980, MONDO:0007783, OMIM 145600.

Allele frequency attached by ClinVar (database versions not stated): gnomAD 0.00001; gnomAD exomes 0.00001; TOPMed 0.00001; ExAC 0.00002.
gnomAD v4.1: 16 of 1,613,884 alleles (0.00099%); highest among the groups gnomAD compares: South Asian, 0.0033%; no homozygotes.

Submissions (3):

Color Diagnostics, LLC DBA Color Health
Classification: Uncertain significance for Malignant hyperthermia, susceptibility to, 1. Last evaluated: 2024-07-23. Review status: criteria provided, single submitter. Criteria: ACMG Guidelines, 2015. Collection method: clinical testing. Allele origin: germline.
Comment: This missense variant replaces aspartic acid with alanine at codon 491 of the RYR1 protein. Computational prediction suggests that this variant may have deleterious impact on protein structure and function. To our knowledge, functional studies have not been reported for this variant. This variant has not been reported in individuals affected with RYR1-related disorders in the literature. This variant has been identified in 2/251494 chromosomes in the general population by the Genome Aggregation Database (gnomAD). The available evidence is insufficient to determine the role of this variant in disease conclusively. Therefore, this variant is classified as a Variant of Uncertain Significance.

All of Us Research Program, National Institutes of Health
Classification: Uncertain significance for Malignant hyperthermia, susceptibility to, 1. Last evaluated: 2023-12-01. Review status: criteria provided, single submitter. Criteria: ACMG Guidelines, 2015. Collection method: clinical testing. Allele origin: germline. Inheritance: Autosomal dominant inheritance. Observed: 2 variant alleles, 2 heterozygotes.
Comment: This study involves interpretation of variants in research participants for the purpose of population health screening. Participant phenotype was not available at the time of variant classification. Additional details can be found in publication PMID: 35346344, PMCID: PMC8962531

Labcorp Genetics (formerly Invitae), Labcorp
Classification: Uncertain significance for RYR1-related disorder. Last evaluated: 2022-06-20. Review status: criteria provided, single submitter. Criteria: Invitae Variant Classification Sherloc (09022015). Collection method: clinical testing. Allele origin: germline.
Comment: This sequence change replaces aspartic acid, which is acidic and polar, with alanine, which is neutral and non-polar, at codon 491 of the RYR1 protein (p.Asp491Ala). This variant is present in population databases (rs749781919, gnomAD 0.003%). This variant has not been reported in the literature in individuals affected with RYR1-related conditions. ClinVar contains an entry for this variant (Variation ID: 1005138). Advanced modeling of protein sequence and biophysical properties (such as structural, functional, and spatial information, amino acid conservation, physicochemical variation, residue mobility, and thermodynamic stability) performed at Invitae indicates that this missense variant is expected to disrupt RYR1 protein function. In summary, the available evidence is currently insufficient to determine the role of this variant in disease. Therefore, it has been classified as a Variant of Uncertain Significance.